The following is an entry in ClinVar:

Conditions:
Breast-ovarian cancer, familial, susceptibility to, 1 (BROVCA1). Also called: BRCA1 Hereditary Breast and Ovarian Cancer; OVARIAN CANCER, SUSCEPTIBILITY TO. Identifiers: Orphanet 145, MedGen C2676676, MONDO:0011450, OMIM 604370. Disease mechanism: loss of function.

Submission:

Brotman Baty Institute, University of Washington
No classification provided (evidence only). Condition: Breast-ovarian cancer, familial 1. Review status: no classification provided. Collection method: in vitro. Allele origin: not applicable. Functional consequence: functionally_abnormal.
ClinVar note: "not provided" was previously submitted as the classification for the variant. However, the classification appeared to be based only on an observation of functional data so it was converted to no classification on 2025-07-30.

NM_007294.4(BRCA1):c.5519A>T (p.Asp1840Val)

Gene: BRCA1 (BRCA1 DNA repair associated; minus strand). Cytogenetic location: 17q21.31.
Variant type: single nucleotide variant.
Coding change: c.5519A>T on transcript NM_007294.4 (MANE Select); coding-DNA position 5519, A replaced by T.
Protein change: p.Asp1840Val; replaces aspartic acid 1840 with valine.
Molecular consequence: missense variant. On other transcripts: 3 prime UTR variant (1), non-coding transcript variant (1).
Genome position (GRCh38, 1-based): chr17:43,045,751, T>A on the plus strand (A>T on the coding strand, the complement: BRCA1 is on the minus strand). VCF-style: chr17-43045751-T-A. GRCh37 (hg19) VCF-style: chr17-41197768-T-A.
Other names: c.2207A>T, p.Asp736Val (NM_001407992.1, NM_001407993.1, NM_001407986.1 and 11 more transcripts); c.2204A>T, p.Asp735Val (NM_001408392.1, NM_001408396.1, NM_001408397.1 and 7 more transcripts); c.2135A>T, p.Asp712Val (NM_001408410.1); c.2132A>T, p.Asp711Val (NM_001408411.1); c.2129A>T, p.Asp710Val (NM_001408412.1, NM_001408413.1, NM_001408414.1 and 2 more transcripts); c.2093A>T, p.Asp698Val (NM_001408418.1, NM_001408419.1, NM_001408420.1); c.2087A>T, p.Asp696Val (NM_001408430.1, NM_001408431.1, NM_001408425.1 and 4 more transcripts); c.2084A>T, p.Asp695Val (NM_001408432.1, NM_001408433.1, NM_001408434.1 and 10 more transcripts); and 74 more; short protein forms D1793V, D1861V, D736V, D1840V, D1671V, D1711V, D1750V, D1751V.
Identifiers: ClinVar variation 868613 (VCV000868613.3), dbSNP rs2050874260, ClinGen allele CA10590280.